The following is an entry in ClinVar:

NM_000257.4(MYH7):c.1756G>A (p.Val586Met)

Gene: MYH7 (myosin heavy chain 7; minus strand). Cytogenetic location: 14q11.2.
Variant type: single nucleotide variant.
Coding change: c.1756G>A on transcript NM_000257.4 (MANE Select); coding-DNA position 1756, G replaced by A.
Protein change: p.Val586Met; replaces valine 586 with methionine.
Molecular consequence: missense variant.
Genome position (GRCh38, 1-based): chr14:23,427,717, C>T on the plus strand (G>A on the coding strand, the complement: MYH7 is on the minus strand). VCF-style: chr14-23427717-C-T. GRCh37 (hg19) VCF-style: chr14-23896926-C-T.
Other names: p.Val586Met; short protein forms V586M.
Identifiers: ClinVar variation 1172186 (VCV001172186.16), dbSNP rs754465530, ClinGen allele CA029304.

ClinVar aggregate classification (germline): Uncertain significance. Review status: criteria provided, multiple submitters, no conflicts (2 of 4 stars). 7 submissions from 7 submitters: Uncertain significance (7). Last evaluated 2024-10-01.

Conditions:
Cardiomyopathy (CMYO). Also called: Cardiomyopathies. Identifiers: Orphanet 167848, MedGen C0878544, MONDO:0004994, HP:0001638. Inheritance: Various modes of inheritance.
Hypertrophic cardiomyopathy. Also called: HYPERTROPHIC MYOCARDIOPATHY. Identifiers: Orphanet 217569, MedGen C0007194, MeSH D002312, MONDO:0005045, HP:0001639.

Allele frequency attached by ClinVar (database versions not stated): gnomAD exomes below 0.00001 and 0.00001; ExAC 0.00001.
gnomAD v4.1: 7 of 1,614,176 alleles (0.00043%); highest among the groups gnomAD compares: Non-Finnish European, 0.00051%; no homozygotes.

Submissions (7):

Blueprint Genetics
Classification: Uncertain significance. Last evaluated: 2024-10-01. Review status: criteria provided, single submitter. Criteria: ACMG Guidelines, 2015. Collection method: clinical testing. Allele origin: germline.

Color Diagnostics, LLC DBA Color Health
Classification: Uncertain significance for Cardiomyopathy. Last evaluated: 2024-07-11. Review status: criteria provided, single submitter. Criteria: ACMG Guidelines, 2015. Collection method: clinical testing. Allele origin: germline.
Comment: This missense variant replaces valine with methionine at codon 586 of the MYH7 protein. Computational prediction tools indicate that this variant has a deleterious impact on protein structure and function. This variant is found within a highly conserved region of the myosin head domain. Missense variants in this region have been shown to be significantly overrepresented in individuals with affected with hypertrophic cardiomyopathy (PMID: 27532257). To our knowledge, functional studies have not been reported for this variant. This variant has not been reported in individuals affected with MYH7-related disorders in the literature. This variant has been identified in 3/251488 chromosomes in the general population by the Genome Aggregation Database (gnomAD). The available evidence is insufficient to determine the role of this variant in disease conclusively. Therefore, this variant is classified as a Variant of Uncertain Significance.

GeneDx
Classification: Uncertain significance. Last evaluated: 2024-01-05. Review status: criteria provided, single submitter. Criteria: GeneDx Variant Classification Process June 2021. Collection method: clinical testing. Allele origin: germline. Affected: yes.
Comment: Not observed at significant frequency in large population cohorts (gnomAD); In silico analysis supports that this missense variant has a deleterious effect on protein structure/function; Has not been previously published as pathogenic or benign to our knowledge; This variant is associated with the following publications: (PMID: 27532257, 29300372)

All of Us Research Program, National Institutes of Health
Classification: Uncertain significance for Cardiomyopathy. Last evaluated: 2023-06-26. Review status: criteria provided, single submitter. Criteria: ACMG Guidelines, 2015. Collection method: clinical testing. Allele origin: germline. Inheritance: Autosomal dominant inheritance. Observed: 1 variant allele, 1 heterozygote.
Comment: This missense variant replaces valine with methionine at codon 586 of the MYH7 protein. Computational prediction suggests that this variant may have deleterious impact on protein structure and function (internally defined REVEL score threshold >= 0.7, PMID: 27666373). To our knowledge, functional studies have not been reported for this variant. This variant has not been reported in individuals affected with MYH7-related disorders in the literature. This variant has been identified in 3/251488 chromosomes in the general population by the Genome Aggregation Database (gnomAD). The available evidence is insufficient to determine the role of this variant in disease conclusively. Therefore, this variant is classified as a Variant of Uncertain Significance.

This study involves interpretation of variants in research participants for the purpose of population health screening. Participant phenotype was not available at the time of variant classification. Additional details can be found in publication PMID: 35346344, PMCID: PMC8962531

Labcorp Genetics (formerly Invitae), Labcorp
Classification: Uncertain significance for Hypertrophic cardiomyopathy. Last evaluated: 2022-08-09. Review status: criteria provided, single submitter. Criteria: Invitae Variant Classification Sherloc (09022015). Collection method: clinical testing. Allele origin: germline.
Comment: This variant is present in population databases (rs754465530, gnomAD 0.01%). This sequence change replaces valine, which is neutral and non-polar, with methionine, which is neutral and non-polar, at codon 586 of the MYH7 protein (p.Val586Met). This variant has not been reported in the literature in individuals affected with MYH7-related conditions. ClinVar contains an entry for this variant (Variation ID: 1172186). Algorithms developed to predict the effect of missense changes on protein structure and function are either unavailable or do not agree on the potential impact of this missense change (SIFT: "Deleterious"; PolyPhen-2: "Probably Damaging"; Align-GVGD: "Class C15"). This variant is found within a region of MYH7 between codons 181 and 937 that contains the majority of the myosin head domain. Missense variants in this region have been shown to be significantly overrepresented in individuals with hypertrophic cardiomyopathy (PMID: 27532257). In summary, the available evidence is currently insufficient to determine the role of this variant in disease. Therefore, it has been classified as a Variant of Uncertain Significance.

Mayo Clinic Laboratories, Mayo Clinic
Classification: Uncertain significance. Last evaluated: 2021-08-24. Review status: criteria provided, single submitter. Criteria: ACMG Guidelines, 2015. Collection method: clinical testing. Allele origin: germline.

AiLife Diagnostics
Classification: Uncertain significance. Last evaluated: 2021-07-19. Review status: criteria provided, single submitter. Criteria: ACMG Guidelines, 2015. Collection method: clinical testing. Allele origin: germline. Affected: yes. Observed: 1 variant allele.

Literature cited by the submitters: PubMed 27532257 (cited by Color Diagnostics, LLC DBA Color Health and Labcorp Genetics (formerly Invitae), Labcorp).